The following is an entry in ClinVar:

ClinVar aggregate classification (germline): Uncertain significance (1 of 4 stars; one submission).

Allele frequency attached by ClinVar (database versions not stated): TOPMed below 0.00001; gnomAD exomes 0.00001.
gnomAD v4.1: 5 of 1,614,060 alleles (0.00031%); highest among the groups gnomAD compares: Admixed American, 0.0083%; no homozygotes.

Submission:

Labcorp Genetics (formerly Invitae), Labcorp
Classification: Uncertain significance. Last evaluated: 2022-11-01. Review status: criteria provided, single submitter. Criteria: Invitae Variant Classification Sherloc (09022015). Collection method: clinical testing. Allele origin: germline.
Comment: This sequence change replaces leucine, which is neutral and non-polar, with valine, which is neutral and non-polar, at codon 1238 of the CNGB1 protein (p.Leu1238Val). This variant is present in population databases (no rsID available, gnomAD 0.009%). This variant has not been reported in the literature in individuals affected with CNGB1-related conditions. ClinVar contains an entry for this variant (Variation ID: 1521036). Advanced modeling of protein sequence and biophysical properties (such as structural, functional, and spatial information, amino acid conservation, physicochemical variation, residue mobility, and thermodynamic stability) performed at Invitae indicates that this missense variant is not expected to disrupt CNGB1 protein function. In summary, the available evidence is currently insufficient to determine the role of this variant in disease. Therefore, it has been classified as a Variant of Uncertain Significance.

NM_001297.5(CNGB1):c.3712C>G (p.Leu1238Val)

Gene: CNGB1 (cyclic nucleotide gated channel subunit beta 1; minus strand). Cytogenetic location: 16q21.
Variant type: single nucleotide variant.
Coding change: c.3712C>G on transcript NM_001297.5 (MANE Select); coding-DNA position 3712, C replaced by G.
Protein change: p.Leu1238Val; replaces leucine 1238 with valine.
Molecular consequence: missense variant.
Genome position (GRCh38, 1-based): chr16:57,884,208, G>C on the plus strand (C>G on the coding strand, the complement: CNGB1 is on the minus strand). VCF-style: chr16-57884208-G-C. GRCh37 (hg19) VCF-style: chr16-57918112-G-C.
Other names: c.3694C>G, p.Leu1232Val (NM_001286130.2); short protein forms L1232V, L1238V.
Identifiers: ClinVar variation 1521036 (VCV001521036.5), dbSNP rs1239122375, ClinGen allele CA396059211.